The following is an entry in ClinVar:

NM_024665.7(TBL1XR1):c.400GAG[1] (p.Glu135del)

Gene: TBL1XR1 (TBL1X/Y related 1; minus strand). Cytogenetic location: 3q26.32.
Variant type: Microsatellite.
Coding change: c.400GAG[1] on transcript NM_024665.7 (MANE Select); one copy of the 3-base unit GAG starting at c.400; the reference has two copies in a row; one copy, 3 bases deleted.
Protein change: p.Glu135del; deletes glutamic acid 135.
Molecular consequence: inframe deletion.
Genome position (GRCh38, 1-based): chr3:177,051,526-177,051,528, CTC deleted on the plus strand (GAG on the coding strand, the reverse complement: TBL1XR1 is on the minus strand); deleting any 3 consecutive bases within chr3:177,051,526-177,051,532 gives the same sequence; the position shown is the placement nearest the transcript's 3' end. VCF-style (leftmost placement, unchanged base first): chr3-177051525-TCTC-T. GRCh37 (hg19) VCF-style: chr3-176769313-TCTC-T.
Other names: c.400GAG[1], p.Glu135del (NM_001321193.3, NM_001321194.3, NM_001374327.1 and 2 more transcripts); c.139GAG[1], p.Glu48del (NM_001321195.3, NM_001374330.1); short protein forms E135del, E48del.
Identifiers: ClinVar variation 4076524 (VCV004076524.1).
Genomic context (GRCh38, chr3:177,051,525, plus strand): 5'-AAACCATGTAATTAAAAAAAAATTCTTGTCTGAGCTCACTTGCTATAGTATGTGCTCCAT[TCTC>T]CTCCCCATTTGCTGTGTTTTCTCCATTTTTTGCAGATCCTTGTTGGCTGGCTGCAGCTGC-3'

ClinVar aggregate classification (germline): Uncertain significance (1 of 4 stars; one submission).

Submission:

GeneDx
Classification: Uncertain significance. Last evaluated: 2025-02-23. Review status: criteria provided, single submitter. Criteria: GeneDx Variant Classification Process June 2021. Collection method: clinical testing. Allele origin: germline. Affected: yes.
Comment: Not observed at significant frequency in large population cohorts (gnomAD); In-frame deletion of 1 amino acid(s) in a non-repeat region; In silico analysis supports a deleterious effect on protein structure/function; Has not been previously published as pathogenic or benign to our knowledge